The following is an entry in ClinVar:

NM_018418.5(SPATA7):c.1028+3A>C

Gene: SPATA7 (spermatogenesis associated 7; plus strand). Cytogenetic location: 14q31.3.
Variant type: single nucleotide variant.
Coding change: c.1028+3A>C on transcript NM_018418.5 (MANE Select); 3 bases into the intron after coding-DNA position 1028, A replaced by C.
Molecular consequence: intron variant.
Genome position (GRCh38, 1-based): chr14:88,429,466, A>C. VCF-style: chr14-88429466-A-C. GRCh37 (hg19) VCF-style: chr14-88895810-A-C.
Other names: c.932+3A>C (NM_001040428.4).
Identifiers: ClinVar variation 3751029 (VCV003751029.2).

ClinVar aggregate classification (germline): Uncertain significance (1 of 4 stars; one submission).

Conditions:
Leber congenital amaurosis 3 (LCA3). Also called: SPATA7-Related Retinitis Pigmentosa. Identifiers: MedGen C1858677, MONDO:0011415, OMIM 604232.

Submission:

Labcorp Genetics (formerly Invitae), Labcorp
Classification: Uncertain significance for Leber congenital amaurosis 3. Last evaluated: 2024-02-02. Review status: criteria provided, single submitter. Criteria: Invitae Variant Classification Sherloc (09022015). Collection method: clinical testing. Allele origin: germline.
Comment: This sequence change falls in intron 8 of the SPATA7 gene. It does not directly change the encoded amino acid sequence of the SPATA7 protein. It affects a nucleotide within the consensus splice site. This variant is not present in population databases (gnomAD no frequency). This variant has not been reported in the literature in individuals affected with SPATA7-related conditions. Variants that disrupt the consensus splice site are a relatively common cause of aberrant splicing (PMID: 17576681, 9536098). Algorithms developed to predict the effect of sequence changes on RNA splicing suggest that this variant may disrupt the consensus splice site. In summary, the available evidence is currently insufficient to determine the role of this variant in disease. Therefore, it has been classified as a Variant of Uncertain Significance.

Literature cited by the submitters: PubMed 17576681; PubMed 9536098.